The following is an entry in ClinVar:

ClinVar aggregate classification (germline): Conflicting classifications of pathogenicity. Review status: criteria provided, conflicting classifications (1 of 4 stars). 4 submissions from 4 submitters: Likely pathogenic (1); Uncertain significance (3). Last evaluated 2025-06-17.

Conditions:
Hereditary cancer-predisposing syndrome. Also called: Hereditary neoplastic syndrome; Neoplastic Syndromes, Hereditary; Tumor predisposition; Hereditary Cancer Syndrome. Identifiers: Orphanet 140162, MedGen C0027672, MeSH D009386, MONDO:0015356.
Von Hippel-Lindau syndrome (VHLS). Also called: Von Hippel-Lindau; VHL syndrome; von Hippel–Lindau syndrome. Identifiers: Orphanet 892, MedGen C0019562, MONDO:0008667, OMIM 193300. Disease mechanism: loss of function.
Chuvash polycythemia. Also called: POLYCYTHEMIA, VHL-DEPENDENT. Identifiers: Orphanet 238557, MedGen C1837915, MONDO:0009892, OMIM 263400.

Allele frequency attached by ClinVar (database versions not stated): gnomAD exomes below 0.00001.
gnomAD v4.1: 1 of 1,614,234 alleles (0.000062%); highest among the groups gnomAD compares: Non-Finnish European, 0.000085%; no homozygotes.

Submissions (4):

Ambry Genetics
Classification: Uncertain significance for Hereditary cancer-predisposing syndrome. Last evaluated: 2025-06-17. Review status: criteria provided, single submitter. Criteria: Ambry Variant Classification Scheme 2023. Collection method: clinical testing. Allele origin: germline.
Comment: The p.K196E variant (also known as c.586A>G), located in coding exon 3 of the VHL gene, results from an A to G substitution at nucleotide position 586. The lysine at codon 196 is replaced by glutamic acid, an amino acid with similar properties. This variant was determined to be functionally neutral in one saturation genome editing assay (Buckley M et al. Nat Genet, 2024 Jul;56:1446-1455). This alteration has been reported as homozygous in an individual with erythrocytosis (Bento C et al. Eur. J. Haematol. 2013 Oct;91(4):361-8). This amino acid position is highly conserved in available vertebrate species. In addition, this alteration is predicted to be deleterious by in silico analysis. Based on the available evidence, the clinical significance of this variant remains unclear.

Labcorp Genetics (formerly Invitae), Labcorp
Classification: Likely pathogenic for Von Hippel-Lindau syndrome; Chuvash polycythemia. Last evaluated: 2024-04-29. Review status: criteria provided, single submitter. Criteria: Invitae Variant Classification Sherloc (09022015). Collection method: clinical testing. Allele origin: germline.
Comment: This sequence change replaces lysine, which is basic and polar, with glutamic acid, which is acidic and polar, at codon 196 of the VHL protein (p.Lys196Glu). This variant is not present in population databases (gnomAD no frequency). This missense change has been observed in individual(s) with clinical features of familial erythrocytosis (PMID: 23859443). In at least one individual the data is consistent with being in trans (on the opposite chromosome) from a pathogenic variant. ClinVar contains an entry for this variant (Variation ID: 411991). Advanced modeling of protein sequence and biophysical properties (such as structural, functional, and spatial information, amino acid conservation, physicochemical variation, residue mobility, and thermodynamic stability) performed at Invitae indicates that this missense variant is expected to disrupt VHL protein function with a positive predictive value of 95%. In summary, the currently available evidence indicates that the variant is pathogenic, but additional data are needed to prove that conclusively. Therefore, this variant has been classified as Likely Pathogenic.

Baylor Genetics
Classification: Uncertain significance for Chuvash polycythemia. Last evaluated: 2024-02-10. Review status: criteria provided, single submitter. Criteria: ACMG Guidelines, 2015. Collection method: clinical testing. Allele origin: unknown.

All of Us Research Program, National Institutes of Health
Classification: Uncertain significance for Von Hippel-Lindau syndrome. Last evaluated: 2023-08-04. Review status: criteria provided, single submitter. Criteria: ACMG Guidelines, 2015. Collection method: clinical testing. Allele origin: germline. Inheritance: Autosomal dominant inheritance. Observed: 1 variant allele, 1 heterozygote.
Comment: This missense variant replaces lysine with glutamic acid at codon 196 of the VHL protein. Computational prediction suggests that this variant may have deleterious impact on protein structure and function (internally defined REVEL score threshold >= 0.7, PMID: 27666373). To our knowledge, functional studies have not been reported for this variant. This variant has been reported in homozygous state in an individual affected with congenital erythrocytosis (PMID: 23859443). This variant has not been identified in the general population by the Genome Aggregation Database (gnomAD). The available evidence is insufficient to determine the role of this variant in disease conclusively. Therefore, this variant is classified as a Variant of Uncertain Significance.

This study involves interpretation of variants in research participants for the purpose of population health screening. Participant phenotype was not available at the time of variant classification. Additional details can be found in publication PMID: 35346344, PMCID: PMC8962531

Literature cited by the submitters: PubMed 33151962 (cited by Ambry Genetics); PubMed 38969834 (cited by Ambry Genetics); PubMed 23859443 (cited by Labcorp Genetics (formerly Invitae), Labcorp and All of Us Research Program, National Institutes of Health).

NM_000551.4(VHL):c.586A>G (p.Lys196Glu)

Genes: VHL (von Hippel-Lindau tumor suppressor; plus strand), LOC107303340 (3p25 von Hippel-Lindau tumor suppressor, E3 ubiquitin protein ligase Alu-mediated recombination region; plus strand). Cytogenetic location: 3p25.3.
Variant type: single nucleotide variant.
Coding change: c.586A>G on transcript NM_000551.4 (MANE Select); coding-DNA position 586, A replaced by G.
Protein change: p.Lys196Glu; replaces lysine 196 with glutamic acid.
Molecular consequence: missense variant. On other transcripts: 3 prime UTR variant (1).
Genome position (GRCh38, 1-based): chr3:10,149,909, A>G. VCF-style: chr3-10149909-A-G. GRCh37 (hg19) VCF-style: chr3-10191593-A-G.
Other names: c.*140A>G (NM_001354723.2); c.463A>G, p.Lys155Glu (NM_198156.3); short protein forms K196E, K155E.
Identifiers: ClinVar variation 411991 (VCV000411991.18), dbSNP rs281860296, ClinGen allele CA16611099.